The following is an entry in ClinVar:

ClinVar aggregate classification (germline): Conflicting classifications of pathogenicity. Review status: criteria provided, conflicting classifications (1 of 4 stars). 2 submissions from 2 submitters: Uncertain significance (1); Likely benign (1). Last evaluated 2025-06-29.

Conditions:
Inborn genetic diseases. Identifiers: MedGen C0950123, MeSH D030342.
Dyskeratosis congenita. Identifiers: Orphanet 1775, MedGen C0265965, MONDO:0015780.

Allele frequency attached by ClinVar (database versions not stated): ExAC 0.00001; gnomAD exomes 0.00001.

Submissions (2):

Ambry Genetics
Classification: Likely benign for Inborn genetic diseases. Last evaluated: 2025-06-29. Review status: criteria provided, single submitter. Criteria: Ambry Variant Classification Scheme 2023. Collection method: clinical testing. Allele origin: germline.

Labcorp Genetics (formerly Invitae), Labcorp
Classification: Uncertain significance for Dyskeratosis congenita. Last evaluated: 2022-10-06. Review status: criteria provided, single submitter. Criteria: Invitae Variant Classification Sherloc (09022015). Collection method: clinical testing. Allele origin: germline.
Comment: This sequence change replaces lysine, which is basic and polar, with arginine, which is basic and polar, at codon 74 of the CTC1 protein (p.Lys74Arg). This variant is present in population databases (rs774606496, gnomAD 0.003%). This variant has not been reported in the literature in individuals affected with CTC1-related conditions. ClinVar contains an entry for this variant (Variation ID: 1346136). Advanced modeling of protein sequence and biophysical properties (such as structural, functional, and spatial information, amino acid conservation, physicochemical variation, residue mobility, and thermodynamic stability) performed at Invitae indicates that this missense variant is not expected to disrupt CTC1 protein function. In summary, the available evidence is currently insufficient to determine the role of this variant in disease. Therefore, it has been classified as a Variant of Uncertain Significance.

NM_025099.6(CTC1):c.221A>G (p.Lys74Arg)

Gene: CTC1 (CST telomere replication complex component 1; minus strand). Cytogenetic location: 17p13.1.
Variant type: single nucleotide variant.
Coding change: c.221A>G on transcript NM_025099.6 (MANE Select); coding-DNA position 221, A replaced by G.
Protein change: p.Lys74Arg; replaces lysine 74 with arginine.
Molecular consequence: missense variant. On other transcripts: non-coding transcript variant (1).
Genome position (GRCh38, 1-based): chr17:8,238,606, T>C on the plus strand (A>G on the coding strand, the complement: CTC1 is on the minus strand). VCF-style: chr17-8238606-T-C. GRCh37 (hg19) VCF-style: chr17-8141924-T-C.
Other names: c.221A>G (NM_025099.5); short protein forms K74R.
Identifiers: ClinVar variation 1346136 (VCV001346136.4), dbSNP rs774606496, ClinGen allele CA8372675.